The following is an entry in ClinVar:

ClinVar aggregate classification (germline): Conflicting classifications of pathogenicity. Review status: criteria provided, conflicting classifications (1 of 4 stars). 2 submissions from 2 submitters: Uncertain significance (1); Likely benign (1). Last evaluated 2022-05-27.

Allele frequency attached by ClinVar (database versions not stated): gnomAD exomes below 0.00001 and 0.00003; TOPMed below 0.00001.
gnomAD v4.1: 43 of 1,613,342 alleles (0.0027%); highest among the groups gnomAD compares: Non-Finnish European, 0.0036%; no homozygotes.

Submissions (2):

Blueprint Genetics
Classification: Likely benign. Last evaluated: 2022-05-27. Review status: criteria provided, single submitter. Criteria: ACMG Guidelines, 2015. Collection method: clinical testing. Allele origin: germline.

Labcorp Genetics (formerly Invitae), Labcorp
Classification: Uncertain significance. Last evaluated: 2022-05-27. Review status: criteria provided, single submitter. Criteria: Invitae Variant Classification Sherloc (09022015). Collection method: clinical testing. Allele origin: germline.
Comment: This sequence change replaces proline, which is neutral and non-polar, with leucine, which is neutral and non-polar, at codon 2670 of the VPS13A protein (p.Pro2670Leu). This variant is present in population databases (no rsID available, gnomAD 0.003%). This variant has not been reported in the literature in individuals affected with VPS13A-related conditions. Algorithms developed to predict the effect of missense changes on protein structure and function (SIFT, PolyPhen-2, Align-GVGD) all suggest that this variant is likely to be tolerated. In summary, the available evidence is currently insufficient to determine the role of this variant in disease. Therefore, it has been classified as a Variant of Uncertain Significance.

NM_033305.3(VPS13A):c.8009C>T (p.Pro2670Leu)

Gene: VPS13A (vacuolar protein sorting 13 homolog A; plus strand). Cytogenetic location: 9q21.2.
Variant type: single nucleotide variant.
Coding change: c.8009C>T on transcript NM_033305.3 (MANE Select); coding-DNA position 8009, C replaced by T.
Protein change: p.Pro2670Leu; replaces proline 2670 with leucine.
Molecular consequence: missense variant.
Genome position (GRCh38, 1-based): chr9:77,358,412, C>T. VCF-style: chr9-77358412-C-T. GRCh37 (hg19) VCF-style: chr9-79973328-C-T.
Other names: c.7892C>T, p.Pro2631Leu (NM_001018037.2); c.8009C>T, p.Pro2670Leu (NM_001018038.3, NM_015186.4); short protein forms P2631L, P2670L.
Identifiers: ClinVar variation 1363395 (VCV001363395.6), dbSNP rs1362143170, ClinGen allele CA373859703.